The following is an entry in ClinVar:

NM_007294.4(BRCA1):c.280C>A (p.Gln94Lys)

Gene: BRCA1 (BRCA1 DNA repair associated; minus strand). Cytogenetic location: 17q21.31.
Variant type: single nucleotide variant.
Coding change: c.280C>A on transcript NM_007294.4 (MANE Select); coding-DNA position 280, C replaced by A.
Protein change: p.Gln94Lys; replaces glutamine 94 with lysine.
Molecular consequence: missense variant. On other transcripts: non-coding transcript variant (1).
Genome position (GRCh38, 1-based): chr17:43,104,889, G>T on the plus strand (C>A on the coding strand, the complement: BRCA1 is on the minus strand). VCF-style: chr17-43104889-G-T. GRCh37 (hg19) VCF-style: chr17-41256906-G-T.
Other names: c.70C>A, p.Gln24Lys (NM_001407900.1, NM_001407902.1, NM_001407904.1 and 58 more transcripts); c.280C>A, p.Gln94Lys (NM_001407919.1, NM_001407937.1, NM_001407938.1 and 168 more transcripts); c.139C>A, p.Gln47Lys (NM_001407920.1, NM_001407921.1, NM_001407922.1 and 99 more transcripts); c.-102C>A (NM_001407959.1, NM_001407960.1, NM_001407962.1 and 4 more transcripts); c.202C>A, p.Gln68Lys (NM_001408409.1, NM_001408411.1, NM_001408412.1 and 21 more transcripts); c.148C>A, p.Gln50Lys (NM_001408451.1); short protein forms Q47K, Q94K, Q68K, Q24K, Q50K.
Identifiers: ClinVar variation 865365 (VCV000865365.3), dbSNP rs886037972, ClinGen allele CA10601595.

Conditions:
Breast-ovarian cancer, familial, susceptibility to, 1 (BROVCA1). Also called: BRCA1 Hereditary Breast and Ovarian Cancer; OVARIAN CANCER, SUSCEPTIBILITY TO. Identifiers: Orphanet 145, MedGen C2676676, MONDO:0011450, OMIM 604370. Disease mechanism: loss of function.

Submission:

Brotman Baty Institute, University of Washington
No classification provided (evidence only). Condition: Breast-ovarian cancer, familial 1. Review status: no classification provided. Collection method: in vitro. Allele origin: not applicable. Functional consequence: functionally_normal.
ClinVar note: "not provided" was previously submitted as the classification for the variant. However, the classification appeared to be based only on an observation of functional data so it was converted to no classification on 2025-07-30.